The following is an entry in ClinVar:

ClinVar aggregate classification (germline): Uncertain significance (1 of 4 stars; one submission).

Conditions:
Myasthenic syndrome, congenital, 22 (CMS22). Also called: PREPL DEFICIENCY. Identifiers: MedGen C4479088, MONDO:0044299, OMIM 616224.

Submission:

Labcorp Genetics (formerly Invitae), Labcorp
Classification: Uncertain significance for Myasthenic syndrome, congenital, 22. Last evaluated: 2022-02-13. Review status: criteria provided, single submitter. Criteria: Invitae Variant Classification Sherloc (09022015). Collection method: clinical testing. Allele origin: germline.
Comment: This variant is not present in population databases (gnomAD no frequency). This variant has not been reported in the literature in individuals affected with PREPL-related conditions. Algorithms developed to predict the effect of missense changes on protein structure and function (SIFT, PolyPhen-2, Align-GVGD) all suggest that this variant is likely to be tolerated. In summary, the available evidence is currently insufficient to determine the role of this variant in disease. Therefore, it has been classified as a Variant of Uncertain Significance. This sequence change replaces glycine, which is neutral and non-polar, with alanine, which is neutral and non-polar, at codon 236 of the PREPL protein (p.Gly236Ala).

NM_001171613.2(PREPL):c.440G>C (p.Gly147Ala)

Gene: PREPL (prolyl endopeptidase like; minus strand). Cytogenetic location: 2p21.
Variant type: single nucleotide variant.
Coding change: c.440G>C on transcript NM_001171613.2 (MANE Select); coding-DNA position 440, G replaced by C.
Protein change: p.Gly147Ala; replaces glycine 147 with alanine.
Molecular consequence: missense variant.
Genome position (GRCh38, 1-based): chr2:44,342,462, C>G on the plus strand (G>C on the coding strand, the complement: PREPL is on the minus strand). VCF-style: chr2-44342462-C-G. GRCh37 (hg19) VCF-style: chr2-44569601-C-G.
Other names: c.707G>C, p.Gly236Ala (NM_001042385.2, NM_001042386.2, NM_001171603.1 and 4 more transcripts); c.440G>C, p.Gly147Ala (NM_001171617.1, NM_001374277.1); short protein forms G147A, G236A.
Identifiers: ClinVar variation 2097430 (VCV002097430.4), dbSNP rs2466277616, ClinGen allele CA346692808.